The following is an entry in ClinVar:

NM_001197104.2(KMT2A):c.718G>A (p.Asp240Asn)

Gene: KMT2A (lysine methyltransferase 2A; plus strand). Cytogenetic location: 11q23.3.
Variant type: single nucleotide variant.
Coding change: c.718G>A on transcript NM_001197104.2 (MANE Select); coding-DNA position 718, G replaced by A.
Protein change: p.Asp240Asn; replaces aspartic acid 240 with asparagine.
Molecular consequence: missense variant.
Genome position (GRCh38, 1-based): chr11:118,471,877, G>A. VCF-style: chr11-118471877-G-A. GRCh37 (hg19) VCF-style: chr11-118342592-G-A.
Other names: c.718G>A, p.Asp240Asn (NM_005933.4); short protein forms D240N.
Identifiers: ClinVar variation 1383843 (VCV001383843.8), dbSNP rs782039100, ClinGen allele CA6303331.

ClinVar aggregate classification (germline): Uncertain significance (1 of 4 stars; one submission).

Allele frequency attached by ClinVar (database versions not stated): ExAC 0.00002; gnomAD exomes 0.00002; gnomAD 0.00006 and 0.00007; TOPMed 0.00007.

Submission:

Labcorp Genetics (formerly Invitae), Labcorp
Classification: Uncertain significance. Last evaluated: 2025-11-23. Review status: criteria provided, single submitter. Criteria: Invitae Variant Classification Sherloc (09022015). Collection method: clinical testing. Allele origin: germline.
Comment: This sequence change replaces aspartic acid, which is acidic and polar, with asparagine, which is neutral and polar, at codon 240 of the KMT2A protein (p.Asp240Asn). This variant is present in population databases (rs782039100, gnomAD 0.03%). This variant has not been reported in the literature in individuals affected with KMT2A-related conditions. ClinVar contains an entry for this variant (Variation ID: 1383843). Invitae Evidence Modeling of protein sequence and biophysical properties (such as structural, functional, and spatial information, amino acid conservation, physicochemical variation, residue mobility, and thermodynamic stability) has been performed for this missense variant. However, the output from this modeling did not meet the statistical confidence thresholds required to predict the impact of this variant on KMT2A protein function. In summary, the available evidence is currently insufficient to determine the role of this variant in disease. Therefore, it has been classified as a Variant of Uncertain Significance.